The following is an entry in ClinVar:

NM_181523.3(PIK3R1):c.198G>C (p.Arg66Ser)

Gene: PIK3R1 (phosphoinositide-3-kinase regulatory subunit 1; plus strand). Cytogenetic location: 5q13.1.
Variant type: single nucleotide variant.
Coding change: c.198G>C on transcript NM_181523.3 (MANE Select); coding-DNA position 198, G replaced by C.
Protein change: p.Arg66Ser; replaces arginine 66 with serine.
Molecular consequence: missense variant.
Genome position (GRCh38, 1-based): chr5:68,226,873, G>C. VCF-style: chr5-68226873-G-C. GRCh37 (hg19) VCF-style: chr5-67522701-G-C.
Other names: short protein forms R66S.
Identifiers: ClinVar variation 3751591 (VCV003751591.2).

ClinVar aggregate classification (germline): Uncertain significance (1 of 4 stars; one submission).

Conditions:
Agammaglobulinemia 7, autosomal recessive (AGM7). Also called: AGAMMAGLOBULINEMIA, AUTOSOMAL RECESSIVE, DUE TO PIK3R1 DEFECT. Identifiers: MedGen C3554689, MONDO:0014083, OMIM 615214.
Immunodeficiency 36 with lymphoproliferation. Also called: Immunodeficiency 36; ACTIVATED PI3K-DELTA SYNDROME 2; Activated PI3K Delta Syndrome Type 2 (APDS2). Identifiers: Orphanet 397596, Orphanet 693681, MedGen C4014934, MONDO:0014453, OMIM 616005.
SHORT syndrome. Also called: SHORT STATURE, HYPEREXTENSIBILITY, HERNIA, OCULAR DEPRESSION, RIEGER ANOMALY, AND TEETHING DELAY; LIPODYSTROPHY, PARTIAL, WITH RIEGER ANOMALY AND SHORT STATURE; PIK3R1-Related SHORT Syndrome. Identifiers: Orphanet 3163, MedGen C0878684, MONDO:0010026, OMIM 269880.

gnomAD v4.1: 3 of 1,614,042 alleles (0.00019%); highest among the groups gnomAD compares: Non-Finnish European, 0.00025%; no homozygotes.

Submission:

Labcorp Genetics (formerly Invitae), Labcorp
Classification: Uncertain significance for SHORT syndrome; Immunodeficiency 36 with lymphoproliferation; Agammaglobulinemia 7, autosomal recessive. Last evaluated: 2024-08-14. Review status: criteria provided, single submitter. Criteria: Invitae Variant Classification Sherloc (09022015). Collection method: clinical testing. Allele origin: germline.
Comment: This sequence change replaces arginine, which is basic and polar, with serine, which is neutral and polar, at codon 66 of the PIK3R1 protein (p.Arg66Ser). This variant is not present in population databases (gnomAD no frequency). This variant has not been reported in the literature in individuals affected with PIK3R1-related conditions. An algorithm developed to predict the effect of missense changes on protein structure and function (PolyPhen-2) suggests that this variant is likely to be tolerated. In summary, the available evidence is currently insufficient to determine the role of this variant in disease. Therefore, it has been classified as a Variant of Uncertain Significance.